The following is an entry in ClinVar:

ClinVar aggregate classification (germline): Uncertain significance (1 of 4 stars; one submission).

Conditions:
Tuberous sclerosis syndrome (TSC). Also called: Tuberous Sclerosis Complex; Tuberous sclerosis. Identifiers: Orphanet 805, MedGen C0041341, MONDO:0001734.

Submission:

All of Us Research Program, National Institutes of Health
Classification: Uncertain significance for Tuberous sclerosis syndrome. Last evaluated: 2023-05-16. Review status: criteria provided, single submitter. Criteria: ACMG Guidelines, 2015. Collection method: clinical testing. Allele origin: germline. Inheritance: Autosomal dominant inheritance. Observed: 1 variant allele, 1 heterozygote.
Comment: This variant causes a deletion of two nucleotides at +6 and +7 positions in intron 15 of the TSC1 gene. To our knowledge, functional studies have not been reported for this variant. This variant has not been reported in individuals affected with TSC1-related disorders in the literature. This variant has not been identified in the general population by the Genome Aggregation Database (gnomAD). The available evidence is insufficient to determine the role of this variant in disease conclusively. Therefore, this variant is classified as a Variant of Uncertain Significance.

This study involves interpretation of variants in research participants for the purpose of population health screening. Participant phenotype was not available at the time of variant classification. Additional details can be found in publication PMID: 35346344, PMCID: PMC8962531

NM_000368.5(TSC1):c.1997+6_1997+7del

Gene: TSC1 (TSC complex subunit 1; minus strand). Cytogenetic location: 9q34.13.
Variant type: Deletion.
Coding change: c.1997+6_1997+7del on transcript NM_000368.5 (MANE Select); bases 6 to 7 of the intron after coding-DNA position 1997, 2 bases deleted (GG; older notation c.1997+6_1997+7delGG).
Molecular consequence: intron variant.
Genome position (GRCh38, 1-based): chr9:132,905,574-132,905,575, CC deleted on the plus strand (GG on the coding strand, the reverse complement: TSC1 is on the minus strand); deleting any 2 consecutive bases within chr9:132,905,574-132,905,576 gives the same sequence; the c. name uses the placement nearest the transcript's 3' end. VCF-style (leftmost placement, unchanged base first): chr9-132905573-TCC-T. GRCh37 (hg19) VCF-style: chr9-135780960-TCC-T.
Other names: c.1631+6_1631+7del (NM_001406620.1, NM_001406625.1, NM_001406621.1 and 2 more transcripts); c.1634+6_1634+7del (NM_001406618.1, NM_001406617.1, NM_001406619.1 and 5 more transcripts); c.1841+6_1841+7del (NM_001406613.1, NM_001406612.1, NM_001406611.1); c.1844+6_1844+7del (NM_001406610.1, NM_001162427.2); c.1043+6_1043+7del (NM_001406627.1, NM_001406628.1); c.944+6_944+7del (NM_001406629.1, NM_001406630.1); c.1994+6_1994+7del (NM_001406603.1, NM_001406609.1, NM_001406597.1 and 6 more transcripts); c.1997+6_1997+7del (NM_001406602.1, NM_001406606.1, NM_001406592.1 and 7 more transcripts); and 1 more.
Identifiers: ClinVar variation 3071031 (VCV003071031.1), dbSNP rs2538697117, ClinGen allele CA2825001614.